The following is an entry in ClinVar:

NM_022124.6(CDH23):c.2870G>A (p.Arg957His)

Gene: CDH23 (cadherin related 23; plus strand). Cytogenetic location: 10q22.1.
Variant type: single nucleotide variant.
Coding change: c.2870G>A on transcript NM_022124.6 (MANE Select); coding-DNA position 2870, G replaced by A.
Protein change: p.Arg957His; replaces arginine 957 with histidine.
Molecular consequence: missense variant.
Genome position (GRCh38, 1-based): chr10:71,705,047, G>A. VCF-style: chr10-71705047-G-A. GRCh37 (hg19) VCF-style: chr10-73464804-G-A.
Other names: c.2870G>A, p.Arg957His (NM_001171930.2, NM_001171931.2); short protein forms R957H.
Identifiers: ClinVar variation 505137 (VCV000505137.14), dbSNP rs748047907, ClinGen allele CA5544363.

ClinVar aggregate classification (germline): Uncertain significance. Review status: criteria provided, multiple submitters, no conflicts (2 of 4 stars). 6 submissions from 6 submitters: Uncertain significance (5). 1 of the submissions does not count toward it. Last evaluated 2025-09-09.

Conditions:
CDH23-related disorder. Also called: CDH23-related condition; CDH23-related disorders.
Pituitary adenoma 5, multiple types. Identifiers: MedGen C4539685, MONDO:0054601, OMIM 617540.
Autosomal recessive nonsyndromic hearing loss 12. Also called: DEAFNESS, AUTOSOMAL RECESSIVE 12. Identifiers: Orphanet 90636, MedGen C1832394, MONDO:0011067, OMIM 601386.
Usher syndrome type 1D (USH1D). Also called: USHER SYNDROME, TYPE ID. Identifiers: Orphanet 231169, Orphanet 886, MedGen C1832845, MONDO:0010984, OMIM 601067.
Usher syndrome type 1 (USH1). Also called: RETINITIS PIGMENTOSA AND CONGENITAL DEAFNESS. Identifiers: Orphanet 231169, Orphanet 886, MedGen C1568247, MONDO:0010168, OMIM 276900.

Allele frequency attached by ClinVar (database versions not stated): gnomAD 0.00001; TOPMed 0.00001; ExAC 0.00003.
gnomAD v4.1: 47 of 1,612,486 alleles (0.0029%); highest among the groups gnomAD compares: Middle Eastern, 0.016%; no homozygotes.

Submissions (6):

PreventionGenetics, part of Exact Sciences
Classification: Uncertain significance for CDH23-related condition. Last evaluated: 2025-09-09. Review status: criteria provided, single submitter. Criteria: ACMG Guidelines, 2015. Collection method: clinical testing. Allele origin: germline.
Comment: The CDH23 c.2870G>A variant is predicted to result in the amino acid substitution p.Arg957His. This variant has been reported with uncertain significance in a cohort study of retinal disease (Table S12, Diñeiro et al. 2020. PubMed ID: 32483926). This variant is present in 0.0056% of alleles in individuals of East Asian descent in gnomAD. At this time, the clinical significance of this variant is uncertain due to the absence of conclusive functional and genetic evidence.

Blueprint Genetics
Classification: Uncertain significance. Last evaluated: 2023-10-05. Review status: criteria provided, single submitter. Criteria: ACMG Guidelines, 2015. Collection method: clinical testing. Allele origin: germline.

Labcorp Genetics (formerly Invitae), Labcorp
Classification: Uncertain significance. Last evaluated: 2022-08-16. Review status: criteria provided, single submitter. Criteria: Invitae Variant Classification Sherloc (09022015). Collection method: clinical testing. Allele origin: germline.
Comment: This sequence change replaces arginine, which is basic and polar, with histidine, which is basic and polar, at codon 957 of the CDH23 protein (p.Arg957His). This variant is present in population databases (rs748047907, gnomAD 0.006%). This variant has not been reported in the literature in individuals affected with CDH23-related conditions. ClinVar contains an entry for this variant (Variation ID: 505137). Algorithms developed to predict the effect of missense changes on protein structure and function are either unavailable or do not agree on the potential impact of this missense change (SIFT: "Deleterious"; PolyPhen-2: "Not Available"; Align-GVGD: "Class C25"). In summary, the available evidence is currently insufficient to determine the role of this variant in disease. Therefore, it has been classified as a Variant of Uncertain Significance.

Fulgent Genetics
Classification: Uncertain significance for Usher syndrome type 1D; Autosomal recessive nonsyndromic hearing loss 12; Pituitary adenoma 5, multiple types. Last evaluated: 2021-08-04. Review status: criteria provided, single submitter. Criteria: ACMG Guidelines, 2015. Collection method: clinical testing. Allele origin: unknown.

Laboratory for Molecular Medicine, Mass General Brigham Personalized Medicine
Classification: Uncertain significance. Last evaluated: 2016-06-09. Review status: criteria provided, single submitter. Criteria: LMM Criteria. Collection method: clinical testing. Allele origin: germline. Observed: 1 variant allele.
Comment: The p.Arg957His variant in CDH23 has not been previously reported in individuals with hearing loss or Usher syndrome, but has been identified in 3/63566 Europea n chromosomes by the Exome Aggregation Consortium (ExAC; dbSNP rs748047907). Although this variant has been seen in the general population, its frequency is not high enough to rule out a pathogenic role. Comp utational prediction tools and conservation analyses do not provide strong suppo rt for or against an impact to the protein. In summary, the clinical significanc e of the p.Arg957His variant is uncertain.

Natera, Inc.
Classification: Uncertain significance for Usher syndrome type 1. Last evaluated: 2019-10-28. Review status: no assertion criteria provided. Collection method: clinical testing. Allele origin: germline. Not counted in ClinVar's aggregate classification.